The following is an entry in ClinVar:

NM_000179.3(MSH6):c.1808del (p.Lys603fs)

Gene: MSH6 (mutS homolog 6; plus strand). Cytogenetic location: 2p16.3.
Variant type: Deletion.
Coding change: c.1808del on transcript NM_000179.3 (MANE Select); coding-DNA position 1808, one base deleted (A; older notation c.1808delA).
Protein change: p.Lys603fs; shifts the reading frame from lysine 603.
Molecular consequence: frameshift variant. On other transcripts: non-coding transcript variant (4), intron variant (2).
Genome position (GRCh38, 1-based): chr2:47,799,791, A deleted; the last of 3 consecutive A bases (chr2:47,799,789-47,799,791); deleting any one gives the same sequence. VCF-style (leftmost placement, unchanged base first): chr2-47799788-CA-C. GRCh37 (hg19) VCF-style: chr2-48026927-CA-C.
Other names: c.1418del, p.Lys473fs (NM_001281492.2); c.902del, p.Lys301fs (NM_001281493.2, NM_001281494.2, NM_001406811.1 and 6 more transcripts); c.1904del, p.Lys635fs (NM_001406795.1, NM_001406802.1); c.1808del, p.Lys603fs (NM_001406796.1, NM_001406798.1, NM_001406800.1 and 3 more transcripts); c.1511del, p.Lys504fs (NM_001406797.1, NM_001406801.1, NM_001406805.1 and 10 more transcripts); c.1283del, p.Lys428fs (NM_001406799.1, NM_001406806.1, NM_001406807.1); c.1730del, p.Lys577fs (NM_001406804.1); c.1814del, p.Lys605fs (NM_001406813.1); and 3 more; short protein forms K605fs, K547fs, K603fs, K635fs, K301fs, K577fs, K428fs, K473fs.
Identifiers: ClinVar variation 4712806 (VCV004712806.1).

ClinVar aggregate classification (germline): Pathogenic (1 of 4 stars; one submission).

Conditions:
Hereditary nonpolyposis colorectal neoplasms. Identifiers: MedGen C0009405, MeSH D003123.

Submission:

Labcorp Genetics (formerly Invitae), Labcorp
Classification: Pathogenic for Hereditary nonpolyposis colorectal neoplasms. Last evaluated: 2025-02-11. Review status: criteria provided, single submitter. Criteria: Invitae Variant Classification Sherloc (09022015). Collection method: clinical testing. Allele origin: germline.
Comment: This sequence change creates a premature translational stop signal (p.Lys603Argfs*7) in the MSH6 gene. It is expected to result in an absent or disrupted protein product. Loss-of-function variants in MSH6 are known to be pathogenic (PMID: 18269114, 24362816). This variant is not present in population databases (gnomAD no frequency). This variant has not been reported in the literature in individuals affected with MSH6-related conditions. For these reasons, this variant has been classified as Pathogenic.

Literature cited by the submitters: PubMed 18269114; PubMed 24362816.